The following is an entry in ClinVar:

NM_001371623.1(TCOF1):c.2384del (p.Ala795fs)

Gene: TCOF1 (treacle ribosome biogenesis factor 1; plus strand). Cytogenetic location: 5q32.
Variant type: Deletion.
Coding change: c.2384del on transcript NM_001371623.1 (MANE Select); coding-DNA position 2384, one base deleted (C; older notation c.2384delC).
Protein change: p.Ala795fs; shifts the reading frame from alanine 795.
Molecular consequence: frameshift variant.
Genome position (GRCh38, 1-based): chr5:150,378,948, C deleted. VCF-style (leftmost placement, unchanged base first): chr5-150378947-GC-G. GRCh37 (hg19) VCF-style: chr5-149758510-GC-G.
Other names: c.2153del, p.Ala718fs (NM_000356.4, NM_001135245.2); c.2384del, p.Ala795fs (NM_001008657.3, NM_001135243.2, NM_001135244.2 and 1 more transcripts); short protein forms A718fs, A795fs.
Identifiers: ClinVar variation 951863 (VCV000951863.8), dbSNP rs1764409337, ClinGen allele CA1139659199.
Genomic context (GRCh38, chr5:150,378,947, plus strand): 5'-TCCCTTTTCTCCACTCAGGTGAAAACCTCAGTAAAGAAAACCCAGGCCAAAGCCAACCCA[GC>G]TGCCGCCAGAGCACCTTCAGCAAAAGGGACAATTTCAGCCCCTGGAAAAGTTGTCACTGC-3'

ClinVar aggregate classification (germline): Pathogenic (1 of 4 stars; one submission).

Conditions:
Treacher Collins syndrome 1 (TCS1). Also called: TCOF1-Related Treacher Collins Syndrome. Identifiers: Orphanet 861, MedGen CN315775, MONDO:0007944, OMIM 154500.

Submission:

Labcorp Genetics (formerly Invitae), Labcorp
Classification: Pathogenic for Treacher Collins syndrome 1. Last evaluated: 2019-05-29. Review status: criteria provided, single submitter. Criteria: Invitae Variant Classification Sherloc (09022015). Collection method: clinical testing. Allele origin: germline.
Comment: This variant has not been reported in the literature in individuals with TCOF1-related conditions. For these reasons, this variant has been classified as Pathogenic. Loss-of-function variants in TCOF1 are known to be pathogenic (PMID: 8894686, 22317976). This variant is not present in population databases (ExAC no frequency). This sequence change creates a premature translational stop signal (p.Ala795Valfs*33) in the TCOF1 gene. It is expected to result in an absent or disrupted protein product.

Literature cited by the submitters: PubMed 8894686; PubMed 22317976.